The following is an entry in ClinVar:

NM_001349338.3(FOXP1):c.1247C>T (p.Pro416Leu)

Gene: FOXP1 (forkhead box P1; minus strand). Cytogenetic location: 3p13.
Variant type: single nucleotide variant.
Coding change: c.1247C>T on transcript NM_001349338.3 (MANE Select); coding-DNA position 1247, C replaced by T.
Protein change: p.Pro416Leu; replaces proline 416 with leucine.
Molecular consequence: missense variant. On other transcripts: non-coding transcript variant (2).
Genome position (GRCh38, 1-based): chr3:70,977,929, G>A on the plus strand (C>T on the coding strand, the complement: FOXP1 is on the minus strand). VCF-style: chr3-70977929-G-A. GRCh37 (hg19) VCF-style: chr3-71027080-G-A.
Other names: c.1247C>T, p.Pro416Leu (NM_001244808.3, NM_001244810.2, NM_001244814.3 and 3 more transcripts); c.1019C>T, p.Pro340Leu (NM_001244812.3); c.947C>T, p.Pro316Leu (NM_001244813.3, NM_001244815.2, NM_001349342.3 and 1 more transcripts); c.944C>T, p.Pro315Leu (NM_001349337.2, NM_001349343.3, NM_001349344.3); c.1244C>T, p.Pro415Leu (NM_001349341.3); short protein forms P415L, P416L, P340L, P315L, P316L.
Identifiers: ClinVar variation 3654110 (VCV003654110.2).

ClinVar aggregate classification (germline): Uncertain significance (1 of 4 stars; one submission).

Submission:

Labcorp Genetics (formerly Invitae), Labcorp
Classification: Uncertain significance. Last evaluated: 2024-05-21. Review status: criteria provided, single submitter. Criteria: Invitae Variant Classification Sherloc (09022015). Collection method: clinical testing. Allele origin: germline.
Comment: This sequence change replaces proline, which is neutral and non-polar, with leucine, which is neutral and non-polar, at codon 416 of the FOXP1 protein (p.Pro416Leu). This variant is not present in population databases (gnomAD no frequency). This variant has not been reported in the literature in individuals affected with FOXP1-related conditions. Advanced modeling of protein sequence and biophysical properties (such as structural, functional, and spatial information, amino acid conservation, physicochemical variation, residue mobility, and thermodynamic stability) performed at Invitae indicates that this missense variant is not expected to disrupt FOXP1 protein function with a negative predictive value of 95%. In summary, the available evidence is currently insufficient to determine the role of this variant in disease. Therefore, it has been classified as a Variant of Uncertain Significance.